The following is an entry in ClinVar:

NM_201253.3(CRB1):c.1078_1081del (p.Glu360fs)

Gene: CRB1 (crumbs cell polarity complex component 1; plus strand). Cytogenetic location: 1q31.3.
Variant type: Deletion.
Coding change: c.1078_1081del on transcript NM_201253.3 (MANE Select); coding-DNA positions 1078 to 1081, 4 bases deleted (GAGA; older notation c.1078_1081delGAGA).
Protein change: p.Glu360fs; shifts the reading frame from glutamic acid 360.
Molecular consequence: frameshift variant. On other transcripts: non-coding transcript variant (2).
Genome position (GRCh38, 1-based): chr1:197,356,920-197,356,923, GAGA deleted; deleting any 4 consecutive bases within chr1:197,356,919-197,356,923 gives the same sequence; the c. name uses the placement nearest the transcript's 3' end. VCF-style (leftmost placement, unchanged base first): chr1-197356918-CAGAG-C. GRCh37 (hg19) VCF-style: chr1-197326048-CAGAG-C.
Other names: c.742_745del, p.Glu248fs (NM_001193640.2); c.871_874del, p.Glu291fs (NM_001257965.2); c.1078_1081del, p.Glu360fs (NM_001257966.2); short protein forms E248fs, E291fs, E360fs.
Identifiers: ClinVar variation 1069458 (VCV001069458.7), dbSNP rs2125354507, ClinGen allele CA2499214391.

ClinVar aggregate classification (germline): Pathogenic (1 of 4 stars; one submission).

Conditions:
Retinitis pigmentosa 12 (RP12). Also called: RP WITH OR WITHOUT PPRPE; RP WITH OR WITHOUT PRESERVED PARAARTERIOLE RETINAL PIGMENT EPITHELIUM; RETINITIS PIGMENTOSA WITH OR WITHOUT PARAARTERIOLAR PRESERVATION OF RETINAL PIGMENT EPITHELIUM. Identifiers: Orphanet 791, MedGen C1838647, MONDO:0010818, OMIM 600105.
Leber congenital amaurosis 8 (LCA8). Identifiers: Orphanet 65, MedGen C3151202, MONDO:0013453, OMIM 613835.

Submission:

Labcorp Genetics (formerly Invitae), Labcorp
Classification: Pathogenic for Leber congenital amaurosis 8; Retinitis pigmentosa 12. Last evaluated: 2020-08-04. Review status: criteria provided, single submitter. Criteria: Invitae Variant Classification Sherloc (09022015). Collection method: clinical testing. Allele origin: germline.
Comment: This sequence change creates a premature translational stop signal (p.Glu360Asnfs*91) in the CRB1 gene. It is expected to result in an absent or disrupted protein product. This variant is not present in population databases (ExAC no frequency). This variant has not been reported in the literature in individuals with CRB1-related conditions. Loss-of-function variants in CRB1 are known to be pathogenic (PMID: 10508521, 22065545, 23379534, 25412400, 26957898, 28041643, 29391521). For these reasons, this variant has been classified as Pathogenic.

Literature cited by the submitters: PubMed 10508521; PubMed 22065545; PubMed 23379534; PubMed 25412400; PubMed 26957898; PubMed 28041643; PubMed 29391521.